The following is an entry in ClinVar:

ClinVar aggregate classification (germline): Uncertain significance (1 of 4 stars; one submission).

Allele frequency attached by ClinVar (database versions not stated): ExAC 0.00001; TOPMed 0.00001; gnomAD 0.00002.
gnomAD v4.1: 33 of 1,613,948 alleles (0.002%); highest among the groups gnomAD compares: Admixed American, 0.0033%; no homozygotes.

Submission:

Labcorp Genetics (formerly Invitae), Labcorp
Classification: Uncertain significance. Last evaluated: 2024-10-21. Review status: criteria provided, single submitter. Criteria: Invitae Variant Classification Sherloc (09022015). Collection method: clinical testing. Allele origin: germline.
Comment: This sequence change replaces arginine, which is basic and polar, with histidine, which is basic and polar, at codon 226 of the LRRC8A protein (p.Arg226His). This variant is present in population databases (rs775648092, gnomAD 0.004%). This variant has not been reported in the literature in individuals affected with LRRC8A-related conditions. ClinVar contains an entry for this variant (Variation ID: 1956356). An algorithm developed to predict the effect of missense changes on protein structure and function (PolyPhen-2) suggests that this variant is likely to be tolerated. In summary, the available evidence is currently insufficient to determine the role of this variant in disease. Therefore, it has been classified as a Variant of Uncertain Significance.

NM_019594.4(LRRC8A):c.677G>A (p.Arg226His)

Gene: LRRC8A (leucine rich repeat containing 8 VRAC subunit A; plus strand). Cytogenetic location: 9q34.11.
Variant type: single nucleotide variant.
Coding change: c.677G>A on transcript NM_019594.4 (MANE Select); coding-DNA position 677, G replaced by A.
Protein change: p.Arg226His; replaces arginine 226 with histidine.
Molecular consequence: missense variant.
Genome position (GRCh38, 1-based): chr9:128,907,841, G>A. VCF-style: chr9-128907841-G-A. GRCh37 (hg19) VCF-style: chr9-131670120-G-A.
Other names: c.677G>A, p.Arg226His (NM_001127244.2, NM_001127245.2); short protein forms R226H.
Identifiers: ClinVar variation 1956356 (VCV001956356.5), dbSNP rs775648092, ClinGen allele CA5270755.
Genomic context (GRCh38, chr9:128,907,841, plus strand): 5'-AGGCCACCGTGCCCATGCTGCAGCGGACCAAGTCACGGATCGAGCAGGGTATCGTGGACC[G>A]CTCAGAGACGGGCGTGCTGGACAAGAAGGAGGGGGAGCAAGCCAAGGCGCTGTTTGAGAA-3'
Protein context (NP_062540.2, residues 216-236): KSRIEQGIVD[Arg226His]SETGVLDKKE